The following is an entry in ClinVar:

ClinVar aggregate classification (germline): Pathogenic (1 of 4 stars; one submission).

Conditions:
Jeune thoracic dystrophy. Also called: Jeune syndrome; Infantile thoracic dystrophy; Thoracic pelvic phalangeal dystrophy; Jeune's syndrome; Chondroectodermal dysplasia-like syndrome; Short-rib thoracic dysplasia. Identifiers: Orphanet 474, MedGen C0265275, MONDO:0018770.

Submission:

Labcorp Genetics (formerly Invitae), Labcorp
Classification: Pathogenic for Jeune thoracic dystrophy. Last evaluated: 2022-02-18. Review status: criteria provided, single submitter. Criteria: Invitae Variant Classification Sherloc (09022015). Collection method: clinical testing. Allele origin: germline.
Comment: For these reasons, this variant has been classified as Pathogenic. This variant has not been reported in the literature in individuals affected with IFT80-related conditions. This variant is not present in population databases (gnomAD no frequency). This sequence change creates a premature translational stop signal (p.Lys707*) in the IFT80 gene. It is expected to result in an absent or disrupted protein product. Loss-of-function variants in IFT80 are known to be pathogenic (PMID: 21227999, 23339108, 29068549).

Literature cited by the submitters: PubMed 21227999; PubMed 23339108; PubMed 29068549.

NM_020800.3(IFT80):c.2119A>T (p.Lys707Ter)

Genes: IFT80 (intraflagellar transport 80; minus strand), TRIM59-IFT80 (TRIM59-IFT80 readthrough (NMD candidate); minus strand). Cytogenetic location: 3q25.33.
Variant type: single nucleotide variant.
Coding change: c.2119A>T on transcript NM_020800.3 (MANE Select); coding-DNA position 2119, A replaced by T.
Protein change: p.Lys707Ter; replaces lysine 707 with a stop codon.
Molecular consequence: nonsense. On other transcripts: non-coding transcript variant (3).
Genome position (GRCh38, 1-based): chr3:160,268,517, T>A on the plus strand (A>T on the coding strand, the complement: IFT80 is on the minus strand). VCF-style: chr3-160268517-T-A. GRCh37 (hg19) VCF-style: chr3-159986305-T-A.
Other names: c.1708A>T, p.Lys570Ter (NM_001190241.2, NM_001190242.2); short protein forms K707*, K570*.
Identifiers: ClinVar variation 2098812 (VCV002098812.4), dbSNP rs2473070199, ClinGen allele CA355250033.